The following is an entry in ClinVar:

NM_139076.3(ABRAXAS1):c.87+5G>A

Genes: ABRAXAS1 (abraxas 1, BRCA1 A complex subunit; minus strand), LOC129992784 (ATAC-STARR-seq lymphoblastoid silent region 15542; plus strand). Cytogenetic location: 4q21.23.
Variant type: single nucleotide variant.
Coding change: c.87+5G>A on transcript NM_139076.3 (MANE Select); 5 bases into the intron after coding-DNA position 87, G replaced by A.
Molecular consequence: intron variant.
Genome position (GRCh38, 1-based): chr4:83,484,981, C>T on the plus strand (G>A on the coding strand, the complement: ABRAXAS1 is on the minus strand). VCF-style: chr4-83484981-C-T. GRCh37 (hg19) VCF-style: chr4-84406134-C-T.
Other names: c.-174+5G>A (NM_001345962.2).
Identifiers: ClinVar variation 2183059 (VCV002183059.4), dbSNP rs2529472493, ClinGen allele CA357263846.

ClinVar aggregate classification (germline): Uncertain significance (1 of 4 stars; one submission).

Allele frequency attached by ClinVar (database versions not stated): gnomAD exomes below 0.00001.
gnomAD v4.1: 1 of 1,575,840 alleles (0.000063%); highest among the groups gnomAD compares: Non-Finnish European, 0.000086%; no homozygotes.

Submission:

Labcorp Genetics (formerly Invitae), Labcorp
Classification: Uncertain significance. Last evaluated: 2022-07-12. Review status: criteria provided, single submitter. Criteria: Invitae Variant Classification Sherloc (09022015). Collection method: clinical testing. Allele origin: germline.
Comment: In summary, the available evidence is currently insufficient to determine the role of this variant in disease. Therefore, it has been classified as a Variant of Uncertain Significance. This sequence change falls in intron 1 of the ABRAXAS1 gene. It does not directly change the encoded amino acid sequence of the ABRAXAS1 protein. It affects a nucleotide within the consensus splice site. This variant is not present in population databases (gnomAD no frequency). This variant has not been reported in the literature in individuals affected with ABRAXAS1-related conditions. Variants that disrupt the consensus splice site are a relatively common cause of aberrant splicing (PMID: 17576681, 9536098). Algorithms developed to predict the effect of sequence changes on RNA splicing suggest that this variant may disrupt the consensus splice site.

Literature cited by the submitters: PubMed 17576681; PubMed 9536098.